The following is an entry in ClinVar:

NM_000093.5(COL5A1):c.2931C>A (p.His977Gln)

Gene: COL5A1 (collagen type V alpha 1 chain; plus strand). Cytogenetic location: 9q34.3.
Variant type: single nucleotide variant.
Coding change: c.2931C>A on transcript NM_000093.5 (MANE Select); coding-DNA position 2931, C replaced by A.
Protein change: p.His977Gln; replaces histidine 977 with glutamine.
Molecular consequence: missense variant.
Genome position (GRCh38, 1-based): chr9:134,798,440, C>A. VCF-style: chr9-134798440-C-A. GRCh37 (hg19) VCF-style: chr9-137690286-C-A.
Other names: c.2931C>A, p.His977Gln (NM_001278074.1); c.2931C>A (NM_000093.3); short protein forms H977Q.
Identifiers: ClinVar variation 579153 (VCV000579153.9), dbSNP rs1564466171, ClinGen allele CA375457664.

ClinVar aggregate classification (germline): Uncertain significance. Review status: criteria provided, multiple submitters, no conflicts (2 of 4 stars). 2 submissions from 2 submitters: Uncertain significance (2). Last evaluated 2024-09-23.

Conditions:
Ehlers-Danlos syndrome, classic type, 1 (EDSCL1). Also called: Ehlers-Danlos Syndrome, Classic Type, COL5A1-Related; EDS I; Ehlers-Danlos syndrome, type 1; EHLERS-DANLOS SYNDROME, GRAVIS TYPE; EHLERS-DANLOS SYNDROME, SEVERE CLASSIC TYPE. Identifiers: MedGen C0268335, MONDO:0019567, OMIM 130000.

Allele frequency attached by ClinVar (database versions not stated): gnomAD exomes below 0.00001.
gnomAD v4.1: 1 of 1,614,122 alleles (0.000062%); highest among the groups gnomAD compares: South Asian, 0.0011%; no homozygotes.

Submissions (2):

GeneDx
Classification: Uncertain significance. Last evaluated: 2024-09-23. Review status: criteria provided, single submitter. Criteria: GeneDx Variant Classification Process June 2021. Collection method: clinical testing. Allele origin: germline. Affected: yes.
Comment: Has not been previously published as pathogenic or benign to our knowledge; Not observed at significant frequency in large population cohorts (gnomAD); Occurs in the triple helical domain at the X position in the canonical Gly-X-Y repeat; although this variant may have an effect on normal protein folding and function, missense substitution at the X position is not a common mechanism of disease (PMID: 22696272; HGMD); In silico analysis supports that this missense variant has a deleterious effect on protein structure/function; This variant is associated with the following publications: (PMID: 22696272)

Labcorp Genetics (formerly Invitae), Labcorp
Classification: Uncertain significance for Ehlers-Danlos syndrome, classic type, 1. Last evaluated: 2021-09-14. Review status: criteria provided, single submitter. Criteria: Invitae Variant Classification Sherloc (09022015). Collection method: clinical testing. Allele origin: germline.
Comment: Algorithms developed to predict the effect of missense changes on protein structure and function are either unavailable or do not agree on the potential impact of this missense change (SIFT: "Tolerated"; PolyPhen-2: "Not Available"; Align-GVGD: "Class C0"). This sequence change replaces histidine with glutamine at codon 977 of the COL5A1 protein (p.His977Gln). The histidine residue is highly conserved and there is a small physicochemical difference between histidine and glutamine. This variant is not present in population databases (ExAC no frequency). This variant has not been reported in the literature in individuals affected with COL5A1-related conditions. In summary, the available evidence is currently insufficient to determine the role of this variant in disease. Therefore, it has been classified as a Variant of Uncertain Significance.